The following is an entry in ClinVar:

NM_001347721.2(DYRK1A):c.925-1G>C

Gene: DYRK1A (dual specificity tyrosine phosphorylation regulated kinase 1A; plus strand). Cytogenetic location: 21q22.13.
Variant type: single nucleotide variant.
Coding change: c.925-1G>C on transcript NM_001347721.2 (MANE Select); the canonical splice acceptor site of the intron before coding-DNA position 925, G replaced by C.
Molecular consequence: splice acceptor variant.
Genome position (GRCh38, 1-based): chr21:37,493,016, G>C. VCF-style: chr21-37493016-G-C. GRCh37 (hg19) VCF-style: chr21-38865318-G-C.
Other names: c.952-1G>C (NM_001396.5, NM_101395.2, NM_130438.2); c.925-1G>C (NM_001347722.2, NM_130436.2); c.838-1G>C (NM_001347723.2).
Identifiers: ClinVar variation 1467282 (VCV001467282.8), dbSNP rs2148619382, ClinGen allele CA409936356.

ClinVar aggregate classification (germline): Likely pathogenic (1 of 4 stars; one submission).

Conditions:
DYRK1A-related intellectual disability syndrome (MRD7). Also called: DYRK1A Syndrome; Intellectual developmental disorder, autosomal dominant 7. Identifiers: Orphanet 464306, MedGen C5568143, MONDO:0013578, OMIM 614104.

Submission:

Labcorp Genetics (formerly Invitae), Labcorp
Classification: Likely pathogenic for DYRK1A-related intellectual disability syndrome. Last evaluated: 2024-10-22. Review status: criteria provided, single submitter. Criteria: Invitae Variant Classification Sherloc (09022015). Collection method: clinical testing. Allele origin: germline.
Comment: This sequence change affects an acceptor splice site in intron 6 of the DYRK1A gene. It is expected to disrupt RNA splicing. Variants that disrupt the donor or acceptor splice site typically lead to a loss of protein function (PMID: 16199547), and loss-of-function variants in DYRK1A are known to be pathogenic (PMID: 25944381). This variant is not present in population databases (gnomAD no frequency). This variant has not been reported in the literature in individuals affected with DYRK1A-related conditions. ClinVar contains an entry for this variant (Variation ID: 1467282). Algorithms developed to predict the effect of sequence changes on RNA splicing suggest that this variant may disrupt the consensus splice site. In summary, the currently available evidence indicates that the variant is pathogenic, but additional data are needed to prove that conclusively. Therefore, this variant has been classified as Likely Pathogenic.

Literature cited by the submitters: PubMed 16199547; PubMed 25944381.